The following is an entry in ClinVar:

NM_000368.5(TSC1):c.3128G>T (p.Ser1043Ile)

Gene: TSC1 (TSC complex subunit 1; minus strand). Cytogenetic location: 9q34.13.
Variant type: single nucleotide variant.
Coding change: c.3128G>T on transcript NM_000368.5 (MANE Select); coding-DNA position 3128, G replaced by T.
Protein change: p.Ser1043Ile; replaces serine 1043 with isoleucine.
Molecular consequence: missense variant. On other transcripts: non-coding transcript variant (5).
Genome position (GRCh38, 1-based): chr9:132,896,602, C>A on the plus strand (G>T on the coding strand, the complement: TSC1 is on the minus strand). VCF-style: chr9-132896602-C-A. GRCh37 (hg19) VCF-style: chr9-135771989-C-A.
Other names: c.3125G>T, p.Ser1042Ile (NM_001162426.2, NM_001406600.1, NM_001406597.1 and 2 more transcripts); c.3113G>T, p.Ser1038Ile (NM_001406601.1, NM_001406602.1); c.3110G>T, p.Ser1037Ile (NM_001406603.1, NM_001406604.1); c.3086G>T, p.Ser1029Ile (NM_001406605.1, NM_001406606.1, NM_001406607.1); c.3083G>T, p.Ser1028Ile (NM_001406608.1, NM_001406609.1); c.2975G>T, p.Ser992Ile (NM_001406610.1, NM_001162427.2); c.2972G>T, p.Ser991Ile (NM_001406611.1, NM_001406612.1); c.2930G>T, p.Ser977Ile (NM_001406613.1); and 8 more; short protein forms S1028I, S1029I, S1037I, S1038I, S1042I, S1043I, S692I, S725I.
Identifiers: ClinVar variation 4758984 (VCV004758984.2).

ClinVar aggregate classification (germline): Uncertain significance. Review status: criteria provided, multiple submitters, no conflicts (2 of 4 stars). 2 submissions from 2 submitters: Uncertain significance (2). Last evaluated 2026-02-16.

Conditions:
Hereditary cancer-predisposing syndrome. Also called: Neoplastic Syndromes, Hereditary; Hereditary neoplastic syndrome; Tumor predisposition; Hereditary Cancer Syndrome. Identifiers: Orphanet 140162, MedGen C0027672, MeSH D009386, MONDO:0015356.
Tuberous sclerosis syndrome (TSC). Also called: Tuberous Sclerosis Complex; Tuberous sclerosis. Identifiers: Orphanet 805, MedGen C0041341, MONDO:0001734.

Submissions (2):

Ambry Genetics
Classification: Uncertain significance for Hereditary cancer-predisposing syndrome. Last evaluated: 2026-02-16. Review status: criteria provided, single submitter. Criteria: Ambry Variant Classification Scheme 2023. Collection method: clinical testing. Allele origin: germline.
Comment: The p.S1043I variant (also known as c.3128G>T), located in coding exon 21 of the TSC1 gene, results from a G to T substitution at nucleotide position 3128. The serine at codon 1043 is replaced by isoleucine, an amino acid with dissimilar properties. This amino acid position is conserved. In addition, this alteration is predicted to be tolerated by in silico analysis. Based on the available evidence, the clinical significance of this variant remains unclear.

Color Diagnostics, LLC DBA Color Health
Classification: Uncertain significance for Tuberous sclerosis syndrome. Last evaluated: 2025-07-28. Review status: criteria provided, single submitter. Criteria: ACMG Guidelines, 2015. Collection method: clinical testing. Allele origin: germline.
Comment: This missense variant replaces serine with isoleucine at codon 1043 of the TSC1 protein. Computational prediction suggests that this variant may not impact protein structure and function. To our knowledge, functional studies have not been reported for this variant. This variant has not been reported in individuals affected with TSC1-related disorders in the literature. This variant has not been identified in the general population by the Genome Aggregation Database (gnomAD). The available evidence is insufficient to determine the role of this variant in disease conclusively. Therefore, this variant is classified as a Variant of Uncertain Significance.